The following is an entry in ClinVar:

ClinVar aggregate classification (germline): Pathogenic (1 of 4 stars; one submission).

Conditions:
Familial hemiplegic migraine. Identifiers: MedGen C0338484, MONDO:0000700.

Submission:

Labcorp Genetics (formerly Invitae), Labcorp
Classification: Pathogenic for Familial hemiplegic migraine. Last evaluated: 2024-08-31. Review status: criteria provided, single submitter. Criteria: Invitae Variant Classification Sherloc (09022015). Collection method: clinical testing. Allele origin: germline.
Comment: This sequence change creates a premature translational stop signal (p.Lys175Argfs*17) in the ATP1A2 gene. It is expected to result in an absent or disrupted protein product. Loss-of-function variants in ATP1A2 are known to be pathogenic (PMID: 30690204). This variant is not present in population databases (gnomAD no frequency). This variant has not been reported in the literature in individuals affected with ATP1A2-related conditions. ClinVar contains an entry for this variant (Variation ID: 2011853). For these reasons, this variant has been classified as Pathogenic.

Literature cited by the submitters: PubMed 30690204.

NM_000702.4(ATP1A2):c.524del (p.Lys175fs)

Genes: ATP1A2 (ATPase Na+/K+ transporting subunit alpha 2; plus strand), LOC126805890 (CDK7 strongly-dependent group 2 enhancer GRCh37_chr1:160093987-160095186; plus strand). Cytogenetic location: 1q23.2.
Variant type: Deletion.
Coding change: c.524del on transcript NM_000702.4 (MANE Select); coding-DNA position 524, one base deleted (A; older notation c.524delA).
Protein change: p.Lys175fs; shifts the reading frame from lysine 175.
Molecular consequence: frameshift variant.
Genome position (GRCh38, 1-based): chr1:160,124,324, A deleted; the last of 2 consecutive A bases (chr1:160,124,323-160,124,324); deleting either gives the same sequence. VCF-style (leftmost placement, unchanged base first): chr1-160124322-GA-G. GRCh37 (hg19) VCF-style: chr1-160094112-GA-G.
Other names: short protein forms K175fs.
Identifiers: ClinVar variation 2011853 (VCV002011853.4), dbSNP rs2524857158, ClinGen allele CA2580061257.
Genomic context (GRCh38, chr1:160,124,322, plus strand): 5'-AAGCATTTCATGAGCTGCCTGTGGCTCCCCACAGCAAGCCCTTGTGATCCGGGAGGGAGA[GA>G]AGATGCAGATCAACGCAGAGGAAGTGGTGGTGGGAGACCTGGTGGAGGTGAAGGGTGGAG-3'